The following is an entry in ClinVar:

ClinVar aggregate classification (germline): Uncertain significance (1 of 4 stars; one submission).

Allele frequency attached by ClinVar (database versions not stated): TOPMed below 0.00001; gnomAD 0.00001.
gnomAD v4.1: 3 of 1,476,686 alleles (0.0002%); highest among the groups gnomAD compares: African/African-American, 0.0029%; no homozygotes.

Submission:

Labcorp Genetics (formerly Invitae), Labcorp
Classification: Uncertain significance. Last evaluated: 2022-03-12. Review status: criteria provided, single submitter. Criteria: Invitae Variant Classification Sherloc (09022015). Collection method: clinical testing. Allele origin: germline.
Comment: In summary, the available evidence is currently insufficient to determine the role of this variant in disease. Therefore, it has been classified as a Variant of Uncertain Significance. Algorithms developed to predict the effect of missense changes on protein structure and function output the following: SIFT: "Tolerated"; PolyPhen-2: "Benign"; Align-GVGD: "Class C0". The arginine amino acid residue is found in multiple mammalian species, which suggests that this missense change does not adversely affect protein function. This variant has not been reported in the literature in individuals affected with ADGRV1-related conditions. This variant is not present in population databases (gnomAD no frequency). This sequence change replaces serine, which is neutral and polar, with arginine, which is basic and polar, at codon 158 of the ADGRV1 protein (p.Ser158Arg).

NM_032119.4(ADGRV1):c.474T>A (p.Ser158Arg)

Gene: ADGRV1 (adhesion G protein-coupled receptor V1; plus strand). Cytogenetic location: 5q14.3.
Variant type: single nucleotide variant.
Coding change: c.474T>A on transcript NM_032119.4 (MANE Select); coding-DNA position 474, T replaced by A.
Protein change: p.Ser158Arg; replaces serine 158 with arginine.
Molecular consequence: missense variant. On other transcripts: non-coding transcript variant (1).
Genome position (GRCh38, 1-based): chr5:90,622,617, T>A. VCF-style: chr5-90622617-T-A. GRCh37 (hg19) VCF-style: chr5-89918434-T-A.
Other names: short protein forms S158R.
Identifiers: ClinVar variation 2109053 (VCV002109053.4), dbSNP rs1259842291, ClinGen allele CA360362946.